The following is an entry in ClinVar:

NM_000059.4(BRCA2):c.754G>C (p.Asp252His)

Gene: BRCA2 (BRCA2 DNA repair associated; plus strand). Cytogenetic location: 13q13.1.
Variant type: single nucleotide variant.
Coding change: c.754G>C on transcript NM_000059.4 (MANE Select); coding-DNA position 754, G replaced by C.
Protein change: p.Asp252His; replaces aspartic acid 252 with histidine.
Molecular consequence: missense variant.
Genome position (GRCh38, 1-based): chr13:32,330,991, G>C. VCF-style: chr13-32330991-G-C. GRCh37 (hg19) VCF-style: chr13-32905128-G-C.
Other names: short protein forms D252H.
Identifiers: ClinVar variation 996235 (VCV000996235.2), dbSNP rs549269828, ClinGen allele CA387760105.

ClinVar aggregate classification (germline): Uncertain significance. Review status: criteria provided, multiple submitters, no conflicts (2 of 4 stars). 2 submissions from 2 submitters: Uncertain significance (2). Last evaluated 2023-09-22.

Conditions:
Hereditary cancer-predisposing syndrome. Also called: Neoplastic Syndromes, Hereditary; Hereditary Cancer Syndrome; Tumor predisposition; Hereditary neoplastic syndrome. Identifiers: Orphanet 140162, MedGen C0027672, MeSH D009386, MONDO:0015356.

gnomAD v4.1: 2 of 1,613,472 alleles (0.00012%); highest among the groups gnomAD compares: Non-Finnish European, 0.00017%; no homozygotes.

Submissions (2):

Ambry Genetics
Classification: Uncertain significance for Hereditary cancer-predisposing syndrome. Last evaluated: 2023-09-22. Review status: criteria provided, single submitter. Criteria: Ambry Variant Classification Scheme 2023. Collection method: clinical testing. Allele origin: germline.
Comment: The p.D252H variant (also known as c.754G>C), located in coding exon 8 of the BRCA2 gene, results from a G to C substitution at nucleotide position 754. The aspartic acid at codon 252 is replaced by histidine, an amino acid with similar properties. This amino acid position is conserved. In addition, this alteration is predicted to be tolerated by in silico analysis. Since supporting evidence is limited at this time, the clinical significance of this alteration remains unclear.

Women's Health and Genetics/Laboratory Corporation of America, LabCorp
Classification: Uncertain significance. Last evaluated: 2021-01-30. Review status: criteria provided, single submitter. Criteria: LabCorp Variant Classification Summary - May 2015. Collection method: clinical testing. Allele origin: germline.
Comment: Variant summary: BRCA2 c.754G>C (p.Asp252His) results in a non-conservative amino acid change in the encoded protein sequence. Three of five in-silico tools predict a damaging effect of the variant on protein function. The variant was absent in 250900 control chromosomes. The available data on variant occurrences in the general population are insufficient to allow any conclusion about variant significance. To our knowledge, no occurrence of c.754G>C in individuals affected with Hereditary Breast And Ovarian Cancer Syndrome and no experimental evidence demonstrating its impact on protein function have been reported. No clinical diagnostic laboratories have submitted clinical-significance assessments for this variant to ClinVar after 2014. Based on the evidence outlined above, the variant was classified as uncertain significance.